The following is an entry in ClinVar:

ClinVar aggregate classification (germline): Uncertain significance. Review status: criteria provided, multiple submitters, no conflicts (2 of 4 stars). 2 submissions from 2 submitters: Uncertain significance (2). Last evaluated 2022-11-16.

Conditions:
Episodic ataxia type 1 (EA1). Also called: ATAXIA, EPISODIC, WITH MYOKYMIA; Episodic ataxia/myokymia syndrome; MYOKYMIA WITH PERIODIC ATAXIA; PAROXYSMAL ATAXIA WITH NEUROMYOTONIA, HEREDITARY. Identifiers: Orphanet 37612, Orphanet 972, MedGen C1719788, MONDO:0008047, OMIM 160120.

Submissions (2):

GeneDx
Classification: Uncertain significance. Last evaluated: 2022-11-16. Review status: criteria provided, single submitter. Criteria: GeneDx Variant Classification Process June 2021. Collection method: clinical testing. Allele origin: germline. Affected: yes.
Comment: Not observed at significant frequency in large population cohorts (gnomAD); In silico analysis supports that this missense variant has a deleterious effect on protein structure/function; Has not been previously published as pathogenic or benign to our knowledge

Labcorp Genetics (formerly Invitae), Labcorp
Classification: Uncertain significance for Episodic ataxia type 1. Last evaluated: 2020-09-24. Review status: criteria provided, single submitter. Criteria: Invitae Variant Classification Sherloc (09022015). Collection method: clinical testing. Allele origin: germline.
Comment: This sequence change replaces arginine with cysteine at codon 151 of the KCNA1 protein (p.Arg151Cys). The arginine residue is highly conserved and there is a large physicochemical difference between arginine and cysteine. This variant is not present in population databases (ExAC no frequency). This variant has not been reported in the literature in individuals with KCNA1-related conditions. Algorithms developed to predict the effect of missense changes on protein structure and function (SIFT, PolyPhen-2, Align-GVGD) all suggest that this variant is likely to be disruptive, but these predictions have not been confirmed by published functional studies and their clinical significance is uncertain. In summary, the available evidence is currently insufficient to determine the role of this variant in disease. Therefore, it has been classified as a Variant of Uncertain Significance.

NM_000217.3(KCNA1):c.451C>T (p.Arg151Cys)

Gene: KCNA1 (potassium voltage-gated channel subfamily A member 1; plus strand). Cytogenetic location: 12p13.32.
Variant type: single nucleotide variant.
Coding change: c.451C>T on transcript NM_000217.3 (MANE Select); coding-DNA position 451, C replaced by T.
Protein change: p.Arg151Cys; replaces arginine 151 with cysteine.
Molecular consequence: missense variant.
Genome position (GRCh38, 1-based): chr12:4,911,829, C>T. VCF-style: chr12-4911829-C-T. GRCh37 (hg19) VCF-style: chr12-5020995-C-T.
Other names: c.451C>T (NM_000217.2); short protein forms R151C.
Identifiers: ClinVar variation 1023031 (VCV001023031.9), dbSNP rs1947353744, ClinGen allele CA383454595.